The following is an entry in ClinVar:

NM_017849.4(TMEM127):c.409+5G>A

Gene: TMEM127 (transmembrane protein 127; minus strand). Cytogenetic location: 2q11.2.
Variant type: single nucleotide variant.
Coding change: c.409+5G>A on transcript NM_017849.4 (MANE Select); 5 bases into the intron after coding-DNA position 409, G replaced by A.
Molecular consequence: intron variant.
Genome position (GRCh38, 1-based): chr2:96,254,828, C>T on the plus strand (G>A on the coding strand, the complement: TMEM127 is on the minus strand). VCF-style: chr2-96254828-C-T. GRCh37 (hg19) VCF-style: chr2-96920566-C-T.
Other names: c.157+5G>A (NM_001407283.1, NM_001407282.1); c.409+5G>A (NM_001193304.3).
Identifiers: ClinVar variation 2709969 (VCV002709969.3), dbSNP rs2467265998, ClinGen allele CA2697550985.
Genomic context (GRCh38, chr2:96,254,828, plus strand): 5'-ACTCAGACAGGATGCCCCCACCCTGTAGCAGTTCCTCTCCCACTGTGAGCAGGCTCACGG[C>T]TTACCCGTTAGGATATGGGCGAAGGCATAGCGACGAGTGATCTTCAGAGCAGGATGCTTC-3'

ClinVar aggregate classification (germline): Uncertain significance (1 of 4 stars; one submission).

Conditions:
Hereditary pheochromocytoma and paraganglioma. Also called: Hereditary Paraganglioma-Pheochromocytoma Syndromes; Hereditary pheochromocytoma-paraganglioma; Hereditary paragangliomas and pheochromocytomas. Identifiers: Orphanet 29072, MedGen C4274332, MONDO:0017366.

Submission:

Labcorp Genetics (formerly Invitae), Labcorp
Classification: Uncertain significance for Hereditary pheochromocytoma and paraganglioma. Last evaluated: 2024-01-18. Review status: criteria provided, single submitter. Criteria: Invitae Variant Classification Sherloc (09022015). Collection method: clinical testing. Allele origin: germline.
Comment: This sequence change falls in intron 3 of the TMEM127 gene. It does not directly change the encoded amino acid sequence of the TMEM127 protein. It affects a nucleotide within the consensus splice site. This variant is not present in population databases (gnomAD no frequency). This variant has not been reported in the literature in individuals affected with TMEM127-related conditions. Variants that disrupt the consensus splice site are a relatively common cause of aberrant splicing (PMID: 17576681, 9536098). RNA analysis provides insufficient evidence to determine the effect of this variant on TMEM127 splicing (Invitae). In summary, the available evidence is currently insufficient to determine the role of this variant in disease. Therefore, it has been classified as a Variant of Uncertain Significance.

Literature cited by the submitters: PubMed 17576681; PubMed 9536098.